The following is an entry in ClinVar:

NM_000719.7(CACNA1C):c.672C>T (p.Leu224=)

Gene: CACNA1C (calcium voltage-gated channel subunit alpha1 C; plus strand). Cytogenetic location: 12p13.33.
Variant type: single nucleotide variant.
Coding change: c.672C>T on transcript NM_000719.7 (MANE Select); coding-DNA position 672, C replaced by T.
Protein change: p.Leu224=; no amino-acid change (leucine 224 retained).
Molecular consequence: synonymous variant.
Genome position (GRCh38, 1-based): chr12:2,457,621, C>T. VCF-style: chr12-2457621-C-T. GRCh37 (hg19) VCF-style: chr12-2566787-C-T.
Other names: c.672C>T, p.Leu224= (NM_001129827.2, NM_001129829.2, NM_001129830.3 and 19 more transcripts).
Identifiers: ClinVar variation 514120 (VCV000514120.12), dbSNP rs868024886, ClinGen allele CA231571794.
Genomic context (GRCh38, chr12:2,457,621, plus strand): 5'-TTCTAGGCTTTTTAGTGCAATTTTAGAACAAGCAACCAAAGCAGATGGGGCAAACGCTCT[C>T]GGAGGGAAAGGGGCCGGATTTGATGTGAAGGCGCTGAGGGCCTTCCGCGTGCTGCGCCCC-3'
Protein context (NP_000710.5, residues 214-234): QATKADGANA[Leu224=]GGKGAGFDVK

ClinVar aggregate classification (germline): Likely benign. Review status: criteria provided, multiple submitters, no conflicts (2 of 4 stars). 3 submissions from 3 submitters: Likely benign (3). Last evaluated 2026-01-05.

Conditions:
Cardiovascular phenotype. Identifiers: MedGen CN230736.
Long QT syndrome (LQTS). Identifiers: MedGen C0023976, MeSH D008133, MONDO:0002442. Disease mechanism: loss of function. Inheritance: Various modes of inheritance.

Allele frequency attached by ClinVar (database versions not stated): gnomAD exomes 0.00001; TOPMed 0.00001.
gnomAD v4.1: 13 of 1,613,262 alleles (0.00081%); highest among the groups gnomAD compares: South Asian, 0.0044%; no homozygotes.

Submissions (3):

Labcorp Genetics (formerly Invitae), Labcorp
Classification: Likely benign for Long QT syndrome. Last evaluated: 2026-01-05. Review status: criteria provided, single submitter. Criteria: Invitae Variant Classification Sherloc (09022015). Collection method: clinical testing. Allele origin: germline.

Ambry Genetics
Classification: Likely benign for Cardiovascular phenotype. Last evaluated: 2021-09-09. Review status: criteria provided, single submitter. Criteria: Ambry Variant Classification Scheme 2023. Collection method: clinical testing. Allele origin: germline.

GeneDx
Classification: Likely benign. Last evaluated: 2017-12-27. Review status: criteria provided, single submitter. Criteria: GeneDx Variant Classification (06012015). Collection method: clinical testing. Allele origin: germline. Affected: yes.
Comment: This variant is considered likely benign or benign based on one or more of the following criteria: it is a conservative change, it occurs at a poorly conserved position in the protein, it is predicted to be benign by multiple in silico algorithms, and/or has population frequency not consistent with disease.